The following is an entry in ClinVar:

ClinVar aggregate classification (germline): Uncertain significance. Review status: criteria provided, single submitter (1 of 4 stars). 2 submissions from 2 submitters: Uncertain significance (1). 1 of the submissions does not count toward it. Last evaluated 2025-08-03.

Conditions:
EPPK1-related disorder. Also called: EPPK1-related condition.

Allele frequency attached by ClinVar (database versions not stated): gnomAD exomes 0.00026; ExAC 0.00073; ESP Exome Variant Server 0.00157; gnomAD 0.00214; TOPMed 0.00232; 1000 Genomes Project 30x 0.00281; 1000 Genomes Project 0.00300.
gnomAD v4.1: 732 of 1,610,952 alleles (0.045%); highest among the groups gnomAD compares: African/African-American, 0.79%; 9 homozygotes.

Submissions (2):

Ambry Genetics
Classification: Uncertain significance. Last evaluated: 2025-08-03. Review status: criteria provided, single submitter. Criteria: Ambry Variant Classification Scheme 2023. Collection method: clinical testing. Allele origin: germline.

PreventionGenetics, part of Exact Sciences
Classification: Likely benign for EPPK1-related condition. Last evaluated: 2021-07-12. Review status: no assertion criteria provided. Collection method: clinical testing. Allele origin: germline. Not counted in ClinVar's aggregate classification.
Comment: This variant is classified as likely benign based on ACMG/AMP sequence variant interpretation guidelines (Richards et al. 2015 PMID: 25741868, with internal and published modifications).

NM_031308.4(EPPK1):c.4033G>A (p.Gly1345Arg)

Gene: EPPK1 (epiplakin 1; minus strand). Cytogenetic location: 8q24.3.
Variant type: single nucleotide variant.
Coding change: c.4033G>A on transcript NM_031308.4 (MANE Select); coding-DNA position 4033, G replaced by A.
Protein change: p.Gly1345Arg; replaces glycine 1345 with arginine.
Molecular consequence: missense variant.
Genome position (GRCh38, 1-based): chr8:143,869,221, C>T on the plus strand (G>A on the coding strand, the complement: EPPK1 is on the minus strand). VCF-style: chr8-143869221-C-T. GRCh37 (hg19) VCF-style: chr8-144943389-C-T.
Other names: c.4033G>A (NM_031308.1); short protein forms G1345R.
Identifiers: ClinVar variation 3040157 (VCV003040157.3), dbSNP rs151228615, ClinGen allele CA4922619.